The following is an entry in ClinVar:

ClinVar aggregate classification (germline): Uncertain significance. Review status: criteria provided, multiple submitters, no conflicts (2 of 4 stars). 2 submissions from 2 submitters: Uncertain significance (2). Last evaluated 2022-07-09.

Allele frequency attached by ClinVar (database versions not stated): gnomAD exomes below 0.00001.
gnomAD v4.1: 2 of 1,614,196 alleles (0.00012%); highest among the groups gnomAD compares: Admixed American, 0.0033%; no homozygotes.

Submissions (2):

Labcorp Genetics (formerly Invitae), Labcorp
Classification: Uncertain significance. Last evaluated: 2022-07-09. Review status: criteria provided, single submitter. Criteria: Invitae Variant Classification Sherloc (09022015). Collection method: clinical testing. Allele origin: germline.
Comment: In summary, the available evidence is currently insufficient to determine the role of this variant in disease. Therefore, it has been classified as a Variant of Uncertain Significance. Algorithms developed to predict the effect of missense changes on protein structure and function output the following: SIFT: "Tolerated"; PolyPhen-2: "Benign"; Align-GVGD: "Class C0". The valine amino acid residue is found in multiple mammalian species, which suggests that this missense change does not adversely affect protein function. ClinVar contains an entry for this variant (Variation ID: 940962). This variant has not been reported in the literature in individuals affected with SEMA4A-related conditions. This variant is present in population databases (no rsID available, gnomAD 0.003%). This sequence change replaces alanine, which is neutral and non-polar, with valine, which is neutral and non-polar, at codon 704 of the SEMA4A protein (p.Ala704Val).

Blueprint Genetics
Classification: Uncertain significance. Last evaluated: 2021-07-20. Review status: criteria provided, single submitter. Criteria: ACMG Guidelines, 2015. Collection method: clinical testing. Allele origin: germline.

NM_022367.4(SEMA4A):c.2111C>T (p.Ala704Val)

Gene: SEMA4A (semaphorin 4A; plus strand). Cytogenetic location: 1q22.
Variant type: single nucleotide variant.
Coding change: c.2111C>T on transcript NM_022367.4 (MANE Select); coding-DNA position 2111, C replaced by T.
Protein change: p.Ala704Val; replaces alanine 704 with valine.
Molecular consequence: missense variant.
Genome position (GRCh38, 1-based): chr1:156,176,822, C>T. VCF-style: chr1-156176822-C-T. GRCh37 (hg19) VCF-style: chr1-156146613-C-T.
Other names: c.2111C>T, p.Ala704Val (NM_001193300.2, NM_001193301.2, NM_001370567.1); c.1715C>T, p.Ala572Val (NM_001193302.2); c.1814C>T, p.Ala605Val (NM_001370568.1); c.1604C>T, p.Ala535Val (NM_001370569.1, NM_001370571.1); short protein forms A704V, A535V, A572V, A605V.
Identifiers: ClinVar variation 940962 (VCV000940962.10), dbSNP rs1254471376, ClinGen allele CA342813670.
Genomic context (GRCh38, chr1:156,176,822, plus strand): 5'-TTGTCACTGTCACTGTCCTCTTTGCCTTAGTGCTTTCAGGAGCCCTCATCATCCTCGTGG[C>T]CTCCCCATTGAGAGCACTCCGGGCTCGGGGCAAGGTTCAGGGCTGTGAGACCCTGCGCCC-3'
Protein context (NP_071762.2, residues 694-714): VLSGALIILV[Ala704Val]SPLRALRARG